The following is an entry in ClinVar:

NM_201525.4(ADGRG1):c.146A>T (p.Lys49Ile)

Gene: ADGRG1 (adhesion G protein-coupled receptor G1; plus strand). Cytogenetic location: 16q21.
Variant type: single nucleotide variant.
Coding change: c.146A>T on transcript NM_201525.4 (MANE Select); coding-DNA position 146, A replaced by T.
Protein change: p.Lys49Ile; replaces lysine 49 with isoleucine.
Molecular consequence: missense variant. On other transcripts: 5 prime UTR variant (5), intron variant (2).
Genome position (GRCh38, 1-based): chr16:57,651,281, A>T. VCF-style: chr16-57651281-A-T. GRCh37 (hg19) VCF-style: chr16-57685193-A-T.
Other names: c.146A>T, p.Lys49Ile (NM_001145770.3, NM_001145771.3, NM_001145772.3 and 16 more transcripts); c.161A>T, p.Lys54Ile (NM_001145773.3, NM_001370433.1); c.-380A>T (NM_001290143.2, NM_001290144.2, NM_001370451.1 and 2 more transcripts); c.110+36A>T (NM_001290142.2); c.65-75A>T (NM_001370442.1); short protein forms K49I, K54I.
Identifiers: ClinVar variation 2398522 (VCV002398522.2), dbSNP rs2545102998, ClinGen allele CA396041761.

ClinVar aggregate classification (germline): Uncertain significance (1 of 4 stars; one submission).

Conditions:
Inborn genetic diseases. Identifiers: MedGen C0950123, MeSH D030342.

Submission:

Ambry Genetics
Classification: Uncertain significance for Inborn genetic diseases. Last evaluated: 2021-02-11. Review status: criteria provided, single submitter. Criteria: Ambry Variant Classification Scheme 2023. Collection method: clinical testing. Allele origin: germline.
Comment: The c.146A>T (p.K49I) alteration is located in exon 4 (coding exon 2) of the ADGRG1 gene. This alteration results from a A to T substitution at nucleotide position 146, causing the lysine (K) at amino acid position 49 to be replaced by an isoleucine (I). Based on data from the Genome Aggregation Database (gnomAD), the ADGRG1 c.146A>T alteration was not observed, with coverage at this position. This amino acid position is poorly conserved in available vertebrate species. The p.K49I alteration is predicted to be tolerated by in silico analysis. Based on insufficient or conflicting evidence, the clinical significance of this alteration remains unclear.